The following is an entry in ClinVar:

ClinVar aggregate classification (germline): Likely pathogenic. Review status: criteria provided, multiple submitters, no conflicts (2 of 4 stars). 2 submissions from 2 submitters: Likely pathogenic (2). Last evaluated 2025-12-30.

Conditions:
Diffuse cerebral and cerebellar atrophy - intractable seizures - progressive microcephaly syndrome. Also called: Microcephaly, progressive, with seizures and cerebral and cerebellar atrophy. Identifiers: Orphanet 404437, MedGen C4014239, MONDO:0014335, OMIM 615760.

gnomAD v4.1: 12 of 1,614,064 alleles (0.00074%); highest among the groups gnomAD compares: South Asian, 0.0022%; 1 homozygote.

Submissions (2):

Women's Health and Genetics/Laboratory Corporation of America, LabCorp
Classification: Likely pathogenic for Diffuse cerebral and cerebellar atrophy - intractable seizures - progressive microcephaly syndrome. Last evaluated: 2025-12-30. Review status: criteria provided, single submitter. Criteria: LabCorp Variant Classification Summary - May 2015. Collection method: clinical testing. Allele origin: germline.
Comment: Variant summary: QARS1 c.1758+1G>T is located in a canonical splice-site and is predicted to affect mRNA splicing resulting in a significantly altered protein due to either exon skipping, shortening, or inclusion of intronic material. Variants that disrupt the consensus splice site are a relatively common cause of aberrant splicing and loss of QARS1 function. Several computational tools predict a significant impact on normal splicing: Four predict the variant abolishes a canonical 5' splicing donor site. However, these predictions have yet to be confirmed by functional studies. The variant allele was found at a frequency of 1.2e-05 in 251378 control chromosomes (gnomAD). To our knowledge, no occurrence of c.1758+1G>T in individuals affected with QARS1-related conditions and no experimental evidence demonstrating its impact on protein function have been reported. ClinVar contains an entry for this variant (Variation ID: 3662779). Based on the evidence outlined above, the variant was classified as likely pathogenic.

Labcorp Genetics (formerly Invitae), Labcorp
Classification: Likely pathogenic for Diffuse cerebral and cerebellar atrophy - intractable seizures - progressive microcephaly syndrome. Last evaluated: 2024-09-03. Review status: criteria provided, single submitter. Criteria: Invitae Variant Classification Sherloc (09022015). Collection method: clinical testing. Allele origin: germline.
Comment: This sequence change affects a donor splice site in intron 18 of the QARS gene. It is expected to disrupt RNA splicing. Variants that disrupt the donor or acceptor splice site typically lead to a loss of protein function (PMID: 16199547), and loss-of-function variants in QARS are known to be pathogenic (PMID: 24656866, 25471517). This variant is present in population databases (rs767087901, gnomAD 0.002%). This variant has not been reported in the literature in individuals affected with QARS-related conditions. Algorithms developed to predict the effect of sequence changes on RNA splicing suggest that this variant may disrupt the consensus splice site. In summary, the currently available evidence indicates that the variant is pathogenic, but additional data are needed to prove that conclusively. Therefore, this variant has been classified as Likely Pathogenic.

Literature cited by the submitters: PubMed 16199547 (cited by Labcorp Genetics (formerly Invitae), Labcorp); PubMed 24656866 (cited by Labcorp Genetics (formerly Invitae), Labcorp); PubMed 25471517 (cited by Labcorp Genetics (formerly Invitae), Labcorp).

NM_005051.3(QARS1):c.1758+1G>T

Gene: QARS1 (glutaminyl-tRNA synthetase 1; minus strand). Cytogenetic location: 3p21.31.
Variant type: single nucleotide variant.
Coding change: c.1758+1G>T on transcript NM_005051.3 (MANE Select); the canonical splice donor site of the intron after coding-DNA position 1758, G replaced by T.
Molecular consequence: splice donor variant.
Genome position (GRCh38, 1-based): chr3:49,099,109, C>A on the plus strand (G>T on the coding strand, the complement: QARS1 is on the minus strand). VCF-style: chr3-49099109-C-A. GRCh37 (hg19) VCF-style: chr3-49136542-C-A.
Other names: c.1725+1G>T (NM_001272073.2).
Identifiers: ClinVar variation 3662779 (VCV003662779.3).